The following is an entry in ClinVar:

ClinVar aggregate classification (germline): Pathogenic/Likely pathogenic. Review status: criteria provided, multiple submitters, no conflicts (2 of 4 stars). 5 submissions from 5 submitters: Pathogenic (4); Likely pathogenic (1). Last evaluated 2024-08-23.

Conditions:
RPGR-related disorder. Also called: RPGR-related condition.
Retinal dystrophy. Also called: Inherited retinal dystrophy. Identifiers: Orphanet 71862, MedGen C0854723, MeSH D058499, MONDO:0019118, HP:0000556.
Retinitis pigmentosa 3. Also called: CHOROIDORETINAL DEGENERATION WITH RETINAL REFLEX IN HETEROZYGOUS WOMEN. Identifiers: Orphanet 791, MedGen C1845667, MONDO:0010227, OMIM 300029.

Submissions (5):

Blueprint Genetics
Classification: Pathogenic for RPGR-related disorders. Last evaluated: 2024-08-23. Review status: criteria provided, single submitter. Criteria: ACMG Guidelines, 2015. Collection method: clinical testing. Allele origin: germline. Affected: yes. Observed: 5 variant alleles.

GeneDx
Classification: Likely pathogenic. Last evaluated: 2022-02-28. Review status: criteria provided, single submitter. Criteria: GeneDx Variant Classification Process June 2021. Collection method: clinical testing. Allele origin: germline. Affected: yes.
Comment: Frameshift variant predicted to result in protein truncation, as the last 180 amino acids are replaced with 104 different amino acids, and other loss-of-function variants have been reported downstream in HGMD; Not observed at significant frequency in large population cohorts (gnomAD); Identified in a patient with X-linked retinitis pigmentosa in published literature (Shu et al., 2007); This variant is associated with the following publications: (PMID: 17195164)

Centre of Medical Genetics, University Hospital Muenster
Classification: Pathogenic for Retinitis pigmentosa 3. Last evaluated: 2022-01-21. Review status: criteria provided, single submitter. Criteria: ACMG Guidelines, 2015. Collection method: clinical testing. Allele origin: germline. Affected: yes. Observed: 1 variant allele.
Comment: ACMG categories: PVS1,PM2,PP5

CeGaT Center for Human Genetics Tuebingen
Classification: Pathogenic. Last evaluated: 2021-12-01. Review status: criteria provided, single submitter. Criteria: CeGaT Center For Human Genetics Tuebingen Variant Classification Criteria Version 2. Collection method: clinical testing. Allele origin: germline. Affected: yes. Observed: 5 variant alleles.

Institute of Human Genetics, Univ. Regensburg, Univ. Regensburg
Classification: Pathogenic for Retinal dystrophy. Last evaluated: 2020-01-01. Review status: criteria provided, single submitter. Criteria: ACMG Guidelines, 2015. Collection method: clinical testing. Allele origin: germline. Affected: yes.

Literature cited by the submitters: PubMed 17195164 (cited by Institute of Human Genetics, Univ. Regensburg, Univ. Regensburg).

NM_001034853.2(RPGR):c.2916_2917del (p.Glu973fs)

Gene: RPGR (retinitis pigmentosa GTPase regulator; minus strand). Cytogenetic location: Xp11.4.
Variant type: Deletion.
Coding change: c.2916_2917del on transcript NM_001034853.2 (MANE Select); coding-DNA positions 2916 to 2917, 2 bases deleted (GG; older notation c.2916_2917delGG).
Protein change: p.Glu973fs; shifts the reading frame from glutamic acid 973.
Molecular consequence: frameshift variant. On other transcripts: intron variant (8).
Genome position (GRCh38, 1-based): chrX:38,286,082-38,286,083, CC deleted on the plus strand (GG on the coding strand, the reverse complement: RPGR is on the minus strand); deleting any 2 consecutive bases within chrX:38,286,082-38,286,085 gives the same sequence; the c. name uses the placement nearest the transcript's 3' end. VCF-style (leftmost placement, unchanged base first): chrX-38286081-TCC-T. GRCh37 (hg19) VCF-style: chrX-38145334-TCC-T.
Other names: c.1569+4876_1569+4877del (NM_001367249.1, NM_001367250.1); c.1902+1011_1902+1012del (NM_001367245.1); c.1386+4876_1386+4877del (NM_001367251.1); c.1719+1011_1719+1012del (NM_001367246.1); c.1572+4876_1572+4877del (NM_001367247.1); c.1905+1011_1905+1012del (NM_000328.3); c.1602+4876_1602+4877del (NM_001367248.1); short protein forms E973fs.
Identifiers: ClinVar variation 871128 (VCV000871128.45), dbSNP rs2067140574, ClinGen allele CA1139667413.
Genomic context (GRCh38, chrX:38,286,081, plus strand): 5'-TCCTCTTCCCCCTCCCCTTCTCCTTCCTCCTCTTCCCCCTCCCCTTCTCCTTCCTCCCCT[TCC>T]CCTTCTCCTTCCTCTTCCCCCTCCCCTTCTCCTTCCTCCTCTTCCCCCTCCCATTCTCCT-3'